The following is an entry in ClinVar:

NM_015107.3(PHF8):c.1550C>T (p.Ala517Val)

Gene: PHF8 (PHD finger protein 8; minus strand). Cytogenetic location: Xp11.22.
Variant type: single nucleotide variant.
Coding change: c.1550C>T on transcript NM_015107.3 (MANE Select); coding-DNA position 1550, C replaced by T.
Protein change: p.Ala517Val; replaces alanine 517 with valine.
Molecular consequence: missense variant. On other transcripts: intron variant (1).
Genome position (GRCh38, 1-based): chrX:53,993,677, G>A on the plus strand (C>T on the coding strand, the complement: PHF8 is on the minus strand). VCF-style: chrX-53993677-G-A. GRCh37 (hg19) VCF-style: chrX-54020110-G-A.
Other names: c.1658C>T, p.Ala553Val (NM_001184896.1); c.1550C>T, p.Ala517Val (NM_001184898.2); c.1324-838C>T (NM_001184897.2); short protein forms A517V, A553V.
Identifiers: ClinVar variation 2499813 (VCV002499813.1), dbSNP rs2065703668, ClinGen allele CA413257378.

ClinVar aggregate classification (germline): Uncertain significance (1 of 4 stars; one submission).

Allele frequency attached by ClinVar (database versions not stated): gnomAD exomes below 0.00001; TOPMed below 0.00001.
gnomAD v4.1: 1 of 1,209,592 alleles (0.000083%); highest among the groups gnomAD compares: Admixed American, 0.0022%; no homozygotes.

Submission:

GeneDx
Classification: Uncertain significance. Last evaluated: 2023-04-17. Review status: criteria provided, single submitter. Criteria: GeneDx Variant Classification Process June 2021. Collection method: clinical testing. Allele origin: germline. Affected: yes.
Comment: Not observed at significant frequency in large population cohorts (gnomAD); In silico analysis supports that this missense variant does not alter protein structure/function; Has not been previously published as pathogenic or benign to our knowledge